The following is an entry in ClinVar:

NM_000702.4(ATP1A2):c.2916T>C (p.Gly972=)

Gene: ATP1A2 (ATPase Na+/K+ transporting subunit alpha 2; plus strand). Cytogenetic location: 1q23.2.
Variant type: single nucleotide variant.
Coding change: c.2916T>C on transcript NM_000702.4 (MANE Select); coding-DNA position 2916, T replaced by C.
Protein change: p.Gly972=; no amino-acid change (glycine 972 retained).
Molecular consequence: synonymous variant.
Genome position (GRCh38, 1-based): chr1:160,139,715, T>C. VCF-style: chr1-160139715-T-C. GRCh37 (hg19) VCF-style: chr1-160109505-T-C.
Identifiers: ClinVar variation 2037302 (VCV002037302.11), dbSNP rs182260413, ClinGen allele CA1194874.

ClinVar aggregate classification (germline): Likely benign. Review status: criteria provided, multiple submitters, no conflicts (2 of 4 stars). 2 submissions from 2 submitters: Likely benign (2). Last evaluated 2025-12-21.

Conditions:
Familial hemiplegic migraine. Identifiers: MedGen C0338484, MONDO:0000700.

Allele frequency attached by ClinVar (database versions not stated): gnomAD 0.00001; ExAC 0.00002; gnomAD exomes 0.00002; 1000 Genomes Project 30x 0.00016; 1000 Genomes Project 0.00020.
gnomAD v4.1: 38 of 1,614,212 alleles (0.0024%); highest among the groups gnomAD compares: Middle Eastern, 0.033%; no homozygotes.

Submissions (2):

Labcorp Genetics (formerly Invitae), Labcorp
Classification: Likely benign for Familial hemiplegic migraine. Last evaluated: 2025-12-21. Review status: criteria provided, single submitter. Criteria: Invitae Variant Classification Sherloc (09022015). Collection method: clinical testing. Allele origin: germline.

CeGaT Center for Human Genetics Tuebingen
Classification: Likely benign. Last evaluated: 2025-04-01. Review status: criteria provided, single submitter. Criteria: CeGaT Center For Human Genetics Tuebingen Variant Classification Criteria Version 2. Collection method: clinical testing. Allele origin: germline. Affected: yes. Observed: 1 variant allele.
Comment: ATP1A2: BP4, BP7